The following is an entry in ClinVar:

NM_000179.3(MSH6):c.237G>A (p.Ser79=)

Gene: MSH6 (mutS homolog 6; plus strand). Cytogenetic location: 2p16.3.
Variant type: single nucleotide variant.
Coding change: c.237G>A on transcript NM_000179.3 (MANE Select); coding-DNA position 237, G replaced by A.
Protein change: p.Ser79=; no amino-acid change (serine 79 retained).
Molecular consequence: synonymous variant. On other transcripts: 5 prime UTR variant (1).
Genome position (GRCh38, 1-based): chr2:47,783,470, G>A. VCF-style: chr2-47783470-G-A. GRCh37 (hg19) VCF-style: chr2-48010609-G-A.
Other names: c.237G>A, p.Ser79= (NM_001281492.2); c.-500G>A (NM_001281493.2).
Identifiers: ClinVar variation 758276 (VCV000758276.11), dbSNP rs1187291533, ClinGen allele CA426120862.

ClinVar aggregate classification (germline): Benign/Likely benign. Review status: criteria provided, multiple submitters, no conflicts (2 of 4 stars). 2 submissions from 2 submitters: Benign (1); Likely benign (1). Last evaluated 2025-10-14.

Conditions:
Hereditary nonpolyposis colorectal neoplasms. Identifiers: MedGen C0009405, MeSH D003123.
Lynch syndrome 5 (LYNCH5). Also called: Colorectal cancer, hereditary nonpolyposis, type 5; Hereditary non-polyposis colorectal cancer, type 5. Identifiers: Orphanet 144, MedGen C1833477, MONDO:0013710, OMIM 614350. Disease mechanism: loss of function.

gnomAD v4.1: 4 of 1,446,760 alleles (0.00028%); highest among the groups gnomAD compares: South Asian, 0.0044%; 1 homozygote.

Submissions (2):

Labcorp Genetics (formerly Invitae), Labcorp
Classification: Likely benign for Hereditary nonpolyposis colorectal neoplasms. Last evaluated: 2025-10-14. Review status: criteria provided, single submitter. Criteria: Invitae Variant Classification Sherloc (09022015). Collection method: clinical testing. Allele origin: germline.

Myriad Genetics, Inc.
Classification: Benign for Lynch syndrome 5. Last evaluated: 2024-12-17. Review status: criteria provided, single submitter. Criteria: Myriad Autosomal Dominant, Autosomal Recessive and X-Linked Classification Criteria (2023). Collection method: clinical testing. Allele origin: unknown.
Comment: This variant is considered benign. This variant is a silent/synonymous amino acid change and it is not expected to impact splicing.